The following is an entry in ClinVar:

ClinVar aggregate classification (germline): Likely benign (1 of 4 stars; one submission).

Allele frequency attached by ClinVar (database versions not stated): gnomAD exomes below 0.00001; ESP Exome Variant Server 0.00008.
gnomAD v4.1: 1 of 1,614,208 alleles (0.000062%); highest among the groups gnomAD compares: Non-Finnish European, 0.000085%; no homozygotes.

Submission:

GeneDx
Classification: Likely benign. Last evaluated: 2018-06-04. Review status: criteria provided, single submitter. Criteria: GeneDx Variant Classification (06012015). Collection method: clinical testing. Allele origin: germline. Affected: yes.
Comment: This variant is considered likely benign or benign based on one or more of the following criteria: it is a conservative change, it occurs at a poorly conserved position in the protein, it is predicted to be benign by multiple in silico algorithms, and/or has population frequency not consistent with disease.

NM_144672.4(OTOA):c.1437C>A (p.Ser479=)

Gene: OTOA (otoancorin). Cytogenetic location: 16p12.2.
Variant type: single nucleotide variant.
Coding change: c.1437C>A on transcript NM_144672.4 (MANE Select); coding-DNA position 1437, C replaced by A.
Protein change: p.Ser479=; no amino-acid change (serine 479 retained).
Molecular consequence: synonymous variant.
Genome position (GRCh38, 1-based): chr16:21,715,101, C>A. VCF-style: chr16-21715101-C-A. GRCh37 (hg19) VCF-style: chr16-21726422-C-A.
Other names: c.1200C>A, p.Ser400= (NM_001161683.2); c.465C>A, p.Ser155= (NM_170664.3).
Identifiers: ClinVar variation 668644 (VCV000668644.1), dbSNP rs151328702, ClinGen allele CA279404898.